The following is an entry in ClinVar:

NC_000008.10:g.(?_100123306)_(100168991_?)del

Gene: VPS13B (vacuolar protein sorting 13 homolog B; plus strand). Cytogenetic location: 8q22.2.
Variant type: Deletion.
Identifiers: ClinVar variation 3245464 (VCV003245464.1).

ClinVar aggregate classification (germline): Pathogenic (1 of 4 stars; one submission).

Conditions:
Cohen syndrome (COH1). Also called: Cutis verticis gyrata, retinitis pigmentosa, and sensorineural deafness; PEPPER SYNDROME. Identifiers: Orphanet 193, MedGen C0265223, MONDO:0008999, OMIM 216550.

Submission:

Labcorp Genetics (formerly Invitae), Labcorp
Classification: Pathogenic for Cohen syndrome. Last evaluated: 2023-12-12. Review status: criteria provided, single submitter. Criteria: Invitae Variant Classification Sherloc (09022015). Collection method: clinical testing. Allele origin: unknown.
Comment: This variant is a gross deletion of the genomic region encompassing exon(s) 6-15 of the VPS13B gene. This deletion is out-of-frame, and is expected to create a premature termination codon and result in an absent or disrupted protein product. Loss-of-function variants in VPS13B are known to be pathogenic (PMID: 15141358, 16648375, 20461111). This variant has not been reported in the literature in individuals affected with VPS13B-related conditions. For these reasons, this variant has been classified as Pathogenic.

Literature cited by the submitters: PubMed 15141358; PubMed 16648375; PubMed 20461111.